The following is an entry in ClinVar:

ClinVar aggregate classification (germline): Uncertain significance (1 of 4 stars; one submission).

Conditions:
Congenital muscular hypertrophy-cerebral syndrome (CDLS2). Also called: Cornelia de Lange syndrome 2; SMC1A-Related Cornelia de Lange Syndrome. Identifiers: Orphanet 199, MedGen C1802395, MONDO:0010370, OMIM 300590.

Allele frequency attached by ClinVar (database versions not stated): gnomAD exomes below 0.00001.
gnomAD v4.1: 2 of 1,190,512 alleles (0.00017%); highest among the groups gnomAD compares: East Asian, 0.003%; no homozygotes.

Submission:

Labcorp Genetics (formerly Invitae), Labcorp
Classification: Uncertain significance for Congenital muscular hypertrophy-cerebral syndrome. Last evaluated: 2022-10-13. Review status: criteria provided, single submitter. Criteria: Invitae Variant Classification Sherloc (09022015). Collection method: clinical testing. Allele origin: germline.
Comment: This variant has not been reported in the literature in individuals affected with SMC1A-related conditions. In summary, the available evidence is currently insufficient to determine the role of this variant in disease. Therefore, it has been classified as a Variant of Uncertain Significance. Algorithms developed to predict the effect of sequence changes on RNA splicing suggest that this variant may create or strengthen a splice site. ClinVar contains an entry for this variant (Variation ID: 1473214). This variant is not present in population databases (gnomAD no frequency). This sequence change affects codon 1207 of the SMC1A mRNA. It is a 'silent' change, meaning that it does not change the encoded amino acid sequence of the SMC1A protein.

NM_006306.4(SMC1A):c.3621A>G (p.Gln1207=)

Gene: SMC1A (structural maintenance of chromosomes 1A; minus strand). Cytogenetic location: Xp11.22.
Variant type: single nucleotide variant.
Coding change: c.3621A>G on transcript NM_006306.4 (MANE Select); coding-DNA position 3621, A replaced by G.
Protein change: p.Gln1207=; no amino-acid change (glutamine 1207 retained).
Molecular consequence: synonymous variant.
Genome position (GRCh38, 1-based): chrX:53,380,184, T>C on the plus strand (A>G on the coding strand, the complement: SMC1A is on the minus strand). VCF-style: chrX-53380184-T-C. GRCh37 (hg19) VCF-style: chrX-53407105-T-C.
Other names: c.3555A>G, p.Gln1185= (NM_001281463.1).
Identifiers: ClinVar variation 1473214 (VCV001473214.6), dbSNP rs2146581022, ClinGen allele CA516552626.